The following is an entry in ClinVar:

ClinVar aggregate classification (germline): Likely pathogenic (1 of 4 stars; one submission).

Conditions:
Autosomal recessive GBA1-related disorders.

Submission:

Variantyx, Inc.
Classification: Likely pathogenic for Autosomal recessive GBA1-related disorders. Last evaluated: 2025-12-05. Review status: criteria provided, single submitter. Criteria: Variantyx Assertion Criteria 2022. Collection method: clinical testing. Allele origin: germline. Inheritance: Autosomal recessive inheritance. Affected: no.
Comment: This is a frameshift variant in the GBA1 gene (OMIM: 606463). Pathogenic variants in this gene have been associated with autosomal recessive GBA1-related disorders. This variant introduces a premature termination codon in exon 3 out of 11 and is expected to result in loss of function, which is a known disease mechanism for GBA1 in this disorder (PMID: 7655857) (PVS1). This variant is absent from control populations (PM2). Based on the current evidence, this variant is classified as likely pathogenic for autosomal recessive GBA1-related disorders.No other variant of clinical significance was identified in the GBA1 gene.

Literature cited by the submitters: PubMed 7655857.

NM_000157.4(GBA1):c.157del (p.Val53fs)

Genes: GBA1 (glucosylceramidase beta 1; minus strand), LOC106627981 (GBA recombination region; plus strand). Cytogenetic location: 1q22.
Variant type: Deletion.
Coding change: c.157del on transcript NM_000157.4 (MANE Select); coding-DNA position 157, one base deleted (G; older notation c.157delG).
Protein change: p.Val53fs; shifts the reading frame from valine 53.
Molecular consequence: frameshift variant. On other transcripts: 5 prime UTR variant (1).
Genome position (GRCh38, 1-based): chr1:155,240,036, C deleted on the plus strand (G on the coding strand, the reverse complement: GBA1 is on the minus strand); the first of 2 consecutive C bases (chr1:155,240,036-155,240,037); deleting either gives the same sequence. VCF-style (leftmost placement, unchanged base first): chr1-155240035-AC-A. GRCh37 (hg19) VCF-style: chr1-155209826-AC-A.
Other names: c.157del, p.Val53fs (NM_001005741.3, NM_001005742.3, NM_001171812.2); c.-105del (NM_001171811.2); short protein forms V53fs.
Identifiers: ClinVar variation 4813821 (VCV004813821.1).